The following is an entry in ClinVar:

ClinVar aggregate classification (germline): Uncertain significance. Review status: criteria provided, multiple submitters, no conflicts (2 of 4 stars). 2 submissions from 2 submitters: Uncertain significance (2). Last evaluated 2025-11-06.

Conditions:
Inborn genetic diseases. Identifiers: MedGen C0950123, MeSH D030342.

gnomAD v4.1: 70 of 1,613,646 alleles (0.0043%); highest among the groups gnomAD compares: African/African-American, 0.081%; no homozygotes.

Submissions (2):

Labcorp Genetics (formerly Invitae), Labcorp
Classification: Uncertain significance. Last evaluated: 2025-11-06. Review status: criteria provided, single submitter. Criteria: Invitae Variant Classification Sherloc (09022015). Collection method: clinical testing. Allele origin: germline.
Comment: This sequence change replaces glutamine, which is neutral and polar, with arginine, which is basic and polar, at codon 1563 of the SPTB protein (p.Gln1563Arg). This variant is present in population databases (rs147213872, gnomAD 0.06%). This variant has not been reported in the literature in individuals affected with SPTB-related conditions. ClinVar contains an entry for this variant (Variation ID: 3322419). An algorithm developed to predict the effect of missense changes on protein structure and function (PolyPhen-2) suggests that this variant is likely to be tolerated. In summary, the available evidence is currently insufficient to determine the role of this variant in disease. Therefore, it has been classified as a Variant of Uncertain Significance.

Ambry Genetics
Classification: Uncertain significance for Inborn genetic diseases. Last evaluated: 2024-03-19. Review status: criteria provided, single submitter. Criteria: Ambry Variant Classification Scheme 2023. Collection method: clinical testing. Allele origin: germline.

NM_001355436.2(SPTB):c.4688A>G (p.Gln1563Arg)

Gene: SPTB (spectrin beta, erythrocytic; minus strand). Cytogenetic location: 14q23.3.
Variant type: single nucleotide variant.
Coding change: c.4688A>G on transcript NM_001355436.2 (MANE Select); coding-DNA position 4688, A replaced by G.
Protein change: p.Gln1563Arg; replaces glutamine 1563 with arginine.
Molecular consequence: missense variant.
Genome position (GRCh38, 1-based): chr14:64,775,279, T>C on the plus strand (A>G on the coding strand, the complement: SPTB is on the minus strand). VCF-style: chr14-64775279-T-C. GRCh37 (hg19) VCF-style: chr14-65241997-T-C.
Other names: NM_000347.5:c.4688A>G; c.4688A>G, p.Gln1563Arg (NM_001024858.4, NM_001355437.2); short protein forms Q1563R.
Identifiers: ClinVar variation 3322419 (VCV003322419.2).